The following is an entry in ClinVar:

NM_024426.6(WT1):c.1129C>T (p.Pro377Ser)

Gene: WT1 (WT1 transcription factor; minus strand). Cytogenetic location: 11p13.
Variant type: single nucleotide variant.
Coding change: c.1129C>T on transcript NM_024426.6 (MANE Select); coding-DNA position 1129, C replaced by T.
Protein change: p.Pro377Ser; replaces proline 377 with serine.
Molecular consequence: missense variant. On other transcripts: 5 prime UTR variant (1), non-coding transcript variant (1).
Genome position (GRCh38, 1-based): chr11:32,396,392, G>A on the plus strand (C>T on the coding strand, the complement: WT1 is on the minus strand). VCF-style: chr11-32396392-G-A. GRCh37 (hg19) VCF-style: chr11-32417938-G-A.
Other names: c.478C>T, p.Pro160Ser (NM_001198551.2); c.427C>T, p.Pro143Ser (NM_001198552.2); c.-60C>T (NM_001367854.1); c.1123C>T, p.Pro375Ser (NM_001407044.1); c.1078C>T, p.Pro360Ser (NM_001407045.1, NM_001407048.1, NM_000378.6 and 1 more transcripts); c.1129C>T, p.Pro377Ser (NM_001407046.1, NM_024424.5); c.1006C>T, p.Pro336Ser (NM_001407047.1); c.955C>T, p.Pro319Ser (NM_001407050.1); and 2 more; short protein forms P123S, P143S, P336S, P375S, P160S, P319S, P355S, P360S.
Identifiers: ClinVar variation 2039402 (VCV002039402.4), dbSNP rs1437575773, ClinGen allele CA379960056.
Genomic context (GRCh38, chr11:32,396,392, plus strand): 5'-TGAAGGGGCGTTTCTCACTGGTCTCAGATGCCGACCGTACAAGAGTCGGGGCTACTCCAG[G>A]CACACGTCGCACATCCTGCAGGCAGAGAGTAAGAGGAAGGGAGGCTTTAAGCCACATGTG-3'
Protein context (NP_077744.4, residues 367-387): FRGIQDVRRV[Pro377Ser]GVAPTLVRSA

ClinVar aggregate classification (germline): Uncertain significance (1 of 4 stars; one submission).

Conditions:
Drash syndrome (DDS). Also called: WILMS TUMOR AND PSEUDO- OR TRUE HERMAPHRODITISM; NEPHROPATHY, WILMS TUMOR, AND GENITAL ANOMALIES. Identifiers: Orphanet 220, MedGen C0950121, MONDO:0008682, OMIM 194080.
Wilms tumor 1 (WT1). Also called: Wilms tumor, somatic. Identifiers: Orphanet 654, MedGen CN033288, MONDO:0008679, OMIM 194070.
11p partial monosomy syndrome (WAGR). Also called: WAGR Spectrum Disorder; CHROMOSOME 11p13 DELETION SYNDROME; WAGR syndrome; WAGR Complex. Identifiers: Orphanet 893, MedGen C0206115, MONDO:0008681, OMIM 194072.
Frasier syndrome. Identifiers: Orphanet 347, MedGen C0950122, MeSH D052159, MONDO:0007635, OMIM 136680.

gnomAD v4.1: 1 of 1,614,028 alleles (0.000062%); no homozygotes.

Submission:

Labcorp Genetics (formerly Invitae), Labcorp
Classification: Uncertain significance for Wilms tumor 1; Drash syndrome; 11p partial monosomy syndrome; Frasier syndrome. Last evaluated: 2021-12-15. Review status: criteria provided, single submitter. Criteria: Invitae Variant Classification Sherloc (09022015). Collection method: clinical testing. Allele origin: germline.
Comment: In summary, the available evidence is currently insufficient to determine the role of this variant in disease. Therefore, it has been classified as a Variant of Uncertain Significance. Algorithms developed to predict the effect of missense changes on protein structure and function output the following: SIFT: "Tolerated"; PolyPhen-2: "Benign"; Align-GVGD: "Class C0". The serine amino acid residue is found in multiple mammalian species, which suggests that this missense change does not adversely affect protein function. This variant has not been reported in the literature in individuals affected with WT1-related conditions. The frequency data for this variant in the population databases is considered unreliable, as metrics indicate poor data quality at this position in the gnomAD database. This sequence change replaces proline, which is neutral and non-polar, with serine, which is neutral and polar, at codon 372 of the WT1 protein (p.Pro372Ser).